The following is an entry in ClinVar:

ClinVar aggregate classification (germline): Uncertain significance (1 of 4 stars; one submission).

Conditions:
Achondrogenesis, type IB (ACG1B). Also called: Achondrogenesis Type 1B. Identifiers: Orphanet 932, Orphanet 93298, MedGen C0265274, MONDO:0010966, OMIM 600972.
Atelosteogenesis type II (AO2). Also called: NEONATAL OSSEOUS DYSPLASIA I; Neonatal osseous dysplasia 1; SLC26A2-Related Atelosteogenesis. Identifiers: Orphanet 56304, MedGen C1850554, MONDO:0009727, OMIM 256050.
Diastrophic dysplasia (DTD). Also called: Diastrophic dwarfism. Identifiers: Orphanet 628, MedGen C0220726, MONDO:0009107, OMIM 222600.
Multiple epiphyseal dysplasia type 4 (EDM4). Also called: SLC26A2-Related Multiple Epiphyseal Dysplasia; Multiple Epiphyseal Dysplasia, Recessive; MULTIPLE EPIPHYSEAL DYSPLASIA WITH BILAYERED PATELLAE; MULTIPLE EPIPHYSEAL DYSPLASIA WITH CLUBFOOT; MULTIPLE EPIPHYSEAL DYSPLASIA, AUTOSOMAL RECESSIVE. Identifiers: Orphanet 93307, MedGen C1847593, MONDO:0009189, OMIM 226900.

Submission:

Labcorp Genetics (formerly Invitae), Labcorp
Classification: Uncertain significance for Atelosteogenesis type II; Multiple epiphyseal dysplasia type 4; Achondrogenesis, type IB; Diastrophic dysplasia. Last evaluated: 2021-10-29. Review status: criteria provided, single submitter. Criteria: Invitae Variant Classification Sherloc (09022015). Collection method: clinical testing. Allele origin: germline.
Comment: Advanced modeling of protein sequence and biophysical properties (such as structural, functional, and spatial information, amino acid conservation, physicochemical variation, residue mobility, and thermodynamic stability) performed at Invitae indicates that this missense variant is expected to disrupt SLC26A2 protein function. Algorithms developed to predict the effect of sequence changes on RNA splicing suggest that this variant may create or strengthen a splice site. In summary, the available evidence is currently insufficient to determine the role of this variant in disease. Therefore, it has been classified as a Variant of Uncertain Significance. This missense change has been observed in individual(s) with diastrophic dysplasia (Invitae). This variant is not present in population databases (gnomAD no frequency). This sequence change replaces glycine, which is neutral and non-polar, with serine, which is neutral and polar, at codon 259 of the SLC26A2 protein (p.Gly259Ser).

NM_000112.4(SLC26A2):c.775G>A (p.Gly259Ser)

Gene: SLC26A2 (solute carrier family 26 member 2; plus strand). Cytogenetic location: 5q32.
Variant type: single nucleotide variant.
Coding change: c.775G>A on transcript NM_000112.4 (MANE Select); coding-DNA position 775, G replaced by A.
Protein change: p.Gly259Ser; replaces glycine 259 with serine.
Molecular consequence: missense variant.
Genome position (GRCh38, 1-based): chr5:149,980,368, G>A. VCF-style: chr5-149980368-G-A. GRCh37 (hg19) VCF-style: chr5-149359931-G-A.
Other names: short protein forms G259S.
Identifiers: ClinVar variation 1410826 (VCV001410826.6), dbSNP rs2113697704, ClinGen allele CA361706257.